The following is an entry in ClinVar:

ClinVar aggregate classification (germline): Uncertain significance. Review status: criteria provided, multiple submitters, no conflicts (2 of 4 stars). 5 submissions from 5 submitters: Uncertain significance (5). Last evaluated 2026-04-22.

Conditions:
Monogenic short statue.

Allele frequency attached by ClinVar (database versions not stated): TOPMed 0.00006; ExAC 0.00008; gnomAD exomes 0.00009; gnomAD 0.00010 and 0.00011; ESP Exome Variant Server 0.00015.
gnomAD v4.1: 206 of 1,613,920 alleles (0.013%); highest among the groups gnomAD compares: Non-Finnish European, 0.016%; no homozygotes.

Submissions (5):

NHS Central & South Genomic Laboratory Hub
Classification: Uncertain significance for Monogenic short statue. Last evaluated: 2026-04-22. Review status: criteria provided, single submitter. Criteria: ACMG Guidelines, 2015. Collection method: clinical testing. Allele origin: germline. Affected: yes.

Labcorp Genetics (formerly Invitae), Labcorp
Classification: Uncertain significance. Last evaluated: 2026-01-25. Review status: criteria provided, single submitter. Criteria: Invitae Variant Classification Sherloc (09022015). Collection method: clinical testing. Allele origin: germline.
Comment: This sequence change creates a premature translational stop signal (p.Gln537*) in the CCDC8 gene. While this is not anticipated to result in nonsense mediated decay, it is expected to disrupt the last 2 amino acid(s) of the CCDC8 protein. This variant is present in population databases (rs144181069, gnomAD 0.03%). This variant has not been reported in the literature in individuals affected with CCDC8-related conditions. ClinVar contains an entry for this variant (Variation ID: 1302900). In summary, the available evidence is currently insufficient to determine the role of this variant in disease. Therefore, it has been classified as a Variant of Uncertain Significance.

Blueprint Genetics
Classification: Uncertain significance. Last evaluated: 2024-08-19. Review status: criteria provided, single submitter. Criteria: ACMG Guidelines, 2015. Collection method: clinical testing. Allele origin: germline.

Women's Health and Genetics/Laboratory Corporation of America, LabCorp
Classification: Uncertain significance. Last evaluated: 2024-03-26. Review status: criteria provided, single submitter. Criteria: LabCorp Variant Classification Summary - May 2015. Collection method: clinical testing. Allele origin: germline.
Comment: Variant summary: CCDC8 c.1609C>T (p.Gln537X) results in a premature termination codon at the second to last codon of the protein. The variant allele was found at a frequency of 9.2e-05 in 251362 control chromosomes (gnomAD). This frequency is not significantly higher than estimated for a pathogenic variant in CCDC8 causing Three M Syndrome 3 (9.2e-05 vs 0.0011), allowing no conclusion about variant significance. To our knowledge, no occurrence of c.1609C>T in individuals affected with Three M Syndrome 3 and no experimental evidence demonstrating its impact on protein function have been reported. ClinVar contains an entry for this variant (Variation ID: 1302900). Based on the effect of this variant only removing the last two amino acids in the protein and the unknown impact of this change, the variant was classified as uncertain significance.

GeneDx
Classification: Uncertain significance. Last evaluated: 2021-01-20. Review status: criteria provided, single submitter. Criteria: GeneDx Variant Classification Process June 2021. Collection method: clinical testing. Allele origin: germline. Affected: yes.
Comment: Nonsense variant predicted to result in protein truncation as the last 2 amino acids are lost, although loss-of-function variants have not been reported downstream of this position in the protein; Has not been previously published as pathogenic or benign to our knowledge

NM_032040.5(CCDC8):c.1609C>T (p.Gln537Ter)

Gene: CCDC8 (coiled-coil domain containing 8 subunit of 3M complex; minus strand). Cytogenetic location: 19q13.32.
Variant type: single nucleotide variant.
Coding change: c.1609C>T on transcript NM_032040.5 (MANE Select); coding-DNA position 1609, C replaced by T.
Protein change: p.Gln537Ter; replaces glutamine 537 with a stop codon.
Molecular consequence: nonsense.
Genome position (GRCh38, 1-based): chr19:46,411,202, G>A on the plus strand (C>T on the coding strand, the complement: CCDC8 is on the minus strand). VCF-style: chr19-46411202-G-A. GRCh37 (hg19) VCF-style: chr19-46914459-G-A.
Other names: short protein forms Q537*.
Identifiers: ClinVar variation 1302900 (VCV001302900.10), dbSNP rs144181069, ClinGen allele CA9528435.